The following is an entry in ClinVar:

NM_001673.5(ASNS):c.1142C>T (p.Pro381Leu)

Genes: ASNS (asparagine synthetase (glutamine-hydrolyzing); minus strand), CZ1P-ASNS (CZ1P-ASNS readthrough; minus strand). Cytogenetic location: 7q21.3.
Variant type: single nucleotide variant.
Coding change: c.1142C>T on transcript NM_001673.5 (MANE Select); coding-DNA position 1142, C replaced by T.
Protein change: p.Pro381Leu; replaces proline 381 with leucine.
Molecular consequence: missense variant. On other transcripts: non-coding transcript variant (1).
Genome position (GRCh38, 1-based): chr7:97,854,676, G>A on the plus strand (C>T on the coding strand, the complement: ASNS is on the minus strand). VCF-style: chr7-97854676-G-A. GRCh37 (hg19) VCF-style: chr7-97483988-G-A.
Other names: c.1079C>T, p.Pro360Leu (NM_001178075.2); c.893C>T, p.Pro298Leu (NM_001178076.2, NM_001178077.1); c.1142C>T, p.Pro381Leu (NM_001352496.2, NM_133436.3, NM_183356.4); short protein forms P360L, P298L, P381L.
Identifiers: ClinVar variation 1368231 (VCV001368231.7), dbSNP rs1266772029, ClinGen allele CA368265518.

ClinVar aggregate classification (germline): Uncertain significance. Review status: criteria provided, multiple submitters, no conflicts (2 of 4 stars). 2 submissions from 2 submitters: Uncertain significance (2). Last evaluated 2026-03-23.

Submissions (2):

GeneDx
Classification: Uncertain significance. Last evaluated: 2026-03-23. Review status: criteria provided, single submitter. Criteria: GeneDx Variant Classification Process June 2021. Collection method: clinical testing. Allele origin: germline.
Comment: Not observed at significant frequency in large population cohorts (gnomAD); In silico analysis supports that this missense variant has a deleterious effect on protein structure/function; Has not been previously published as pathogenic or benign to our knowledge

Labcorp Genetics (formerly Invitae), Labcorp
Classification: Uncertain significance. Last evaluated: 2021-12-02. Review status: criteria provided, single submitter. Criteria: Invitae Variant Classification Sherloc (09022015). Collection method: clinical testing. Allele origin: germline.
Comment: This missense change has been observed in individual(s) with clinical features of ASNS-related conditions (Invitae). In summary, the available evidence is currently insufficient to determine the role of this variant in disease. Therefore, it has been classified as a Variant of Uncertain Significance. Advanced modeling of protein sequence and biophysical properties (such as structural, functional, and spatial information, amino acid conservation, physicochemical variation, residue mobility, and thermodynamic stability) performed at Invitae indicates that this missense variant is expected to disrupt ASNS protein function. This variant is not present in population databases (gnomAD no frequency). This sequence change replaces proline, which is neutral and non-polar, with leucine, which is neutral and non-polar, at codon 381 of the ASNS protein (p.Pro381Leu).